The following is an entry in ClinVar:

NM_017636.4(TRPM4):c.870C>T (p.Asn290=)

Gene: TRPM4 (transient receptor potential cation channel subfamily M member 4; plus strand). Cytogenetic location: 19q13.33.
Variant type: single nucleotide variant.
Coding change: c.870C>T on transcript NM_017636.4 (MANE Select); coding-DNA position 870, C replaced by T.
Protein change: p.Asn290=; no amino-acid change (asparagine 290 retained).
Molecular consequence: synonymous variant. On other transcripts: 5 prime UTR variant (1).
Genome position (GRCh38, 1-based): chr19:49,171,589, C>T. VCF-style: chr19-49171589-C-T. GRCh37 (hg19) VCF-style: chr19-49674846-C-T.
Other names: c.870C>T, p.Asn290= (NM_001195227.2); c.525C>T, p.Asn175= (NM_001321281.2); c.-684C>T (NM_001321282.2); c.348C>T, p.Asn116= (NM_001321283.2); c.21C>T, p.Asn7= (NM_001321285.2).
Identifiers: ClinVar variation 386319 (VCV000386319.57), dbSNP rs141997826, ClinGen allele CA9569005.

ClinVar aggregate classification (germline): Conflicting classifications of pathogenicity. Review status: criteria provided, conflicting classifications (1 of 4 stars). 11 submissions from 11 submitters: Uncertain significance (1); Benign (5); Likely benign (3). 2 of the submissions do not count toward it. Last evaluated 2026-07-01.

Conditions:
Progressive familial heart block type IB (PFHB1B). Identifiers: Orphanet 871, MedGen C1970298, MONDO:0011474, OMIM 604559.
Cardiovascular phenotype. Identifiers: MedGen CN230736.

Allele frequency attached by ClinVar (database versions not stated): 1000 Genomes Project 30x 0.00062; 1000 Genomes Project 0.00080; ExAC 0.00313; gnomAD exomes 0.00313 and 0.00392; TOPMed 0.00328; gnomAD 0.00342 and 0.00389; ESP Exome Variant Server 0.00377.
gnomAD v4.1: 6,274 of 1,613,980 alleles (0.39%); highest among the groups gnomAD compares: Non-Finnish European, 0.45%; 22 homozygotes.

Submissions (11):

CeGaT Center for Human Genetics Tuebingen
Classification: Likely benign. Last evaluated: 2026-07-01. Review status: criteria provided, single submitter. Criteria: CeGaT Center For Human Genetics Tuebingen Variant Classification Criteria Version 2. Collection method: clinical testing. Allele origin: germline. Affected: yes. Observed: 4 variant alleles.
Comment: TRPM4: BP4, BP7, BS2

Labcorp Genetics (formerly Invitae), Labcorp
Classification: Benign for Progressive familial heart block type IB. Last evaluated: 2026-02-02. Review status: criteria provided, single submitter. Criteria: Invitae Variant Classification Sherloc (09022015). Collection method: clinical testing. Allele origin: germline.

Women's Health and Genetics/Laboratory Corporation of America, LabCorp
Classification: Benign. Last evaluated: 2025-05-12. Review status: criteria provided, single submitter. Criteria: LabCorp Variant Classification Summary - May 2015. Collection method: clinical testing. Allele origin: germline.

Molecular Diagnostic Laboratory for Inherited Cardiovascular Disease, Montreal Heart Institute
Classification: Benign. Last evaluated: 2025-04-09. Review status: criteria provided, single submitter. Criteria: ACMG Guidelines, 2015. Collection method: clinical testing. Allele origin: germline. Affected: no.

Blueprint Genetics
Classification: Likely benign. Last evaluated: 2024-11-26. Review status: criteria provided, single submitter. Criteria: ACMG Guidelines, 2015. Collection method: clinical testing. Allele origin: germline.

ARUP Laboratories, Molecular Genetics and Genomics, ARUP Laboratories
Classification: Benign. Last evaluated: 2023-11-22. Review status: criteria provided, single submitter. Criteria: ARUP Molecular Germline Variant Investigation Process 2024. Collection method: clinical testing. Allele origin: germline.

GeneDx
Classification: Benign. Last evaluated: 2018-08-14. Review status: criteria provided, single submitter. Criteria: GeneDx Variant Classification Process June 2021. Collection method: clinical testing. Allele origin: germline. Affected: yes.

Illumina Laboratory Services, Illumina
Classification: Uncertain significance for Progressive familial heart block type IB. Last evaluated: 2017-04-27. Review status: criteria provided, single submitter. Criteria: ICSL Variant Classification Criteria 13 December 2019. Collection method: clinical testing. Allele origin: germline.

Ambry Genetics
Classification: Likely benign for Cardiovascular phenotype. Last evaluated: 2015-08-27. Review status: criteria provided, single submitter. Criteria: Ambry Variant Classification Scheme 2023. Collection method: clinical testing. Allele origin: germline.

Clinical Genetics, Academic Medical Center
Classification: Benign. Review status: no assertion criteria provided. Collection method: clinical testing. Allele origin: germline. Affected: yes. Study: VKGL Data-share Consensus. Not counted in ClinVar's aggregate classification.

Joint Genome Diagnostic Labs from Nijmegen and Maastricht, Radboudumc and MUMC+
Classification: Benign. Review status: no assertion criteria provided. Collection method: clinical testing. Allele origin: germline. Affected: yes. Study: VKGL Data-share Consensus. Not counted in ClinVar's aggregate classification.